The following is an entry in ClinVar:

NM_199242.3(UNC13D):c.569+5G>A

Gene: UNC13D (unc-13 homolog D; minus strand). Cytogenetic location: 17q25.1.
Variant type: single nucleotide variant.
Coding change: c.569+5G>A on transcript NM_199242.3 (MANE Select); 5 bases into the intron after coding-DNA position 569, G replaced by A.
Molecular consequence: intron variant.
Genome position (GRCh38, 1-based): chr17:75,842,428, C>T on the plus strand (G>A on the coding strand, the complement: UNC13D is on the minus strand). VCF-style: chr17-75842428-C-T. GRCh37 (hg19) VCF-style: chr17-73838509-C-T.
Identifiers: ClinVar variation 647023 (VCV000647023.10), dbSNP rs765034513, ClinGen allele CA8773437.
Genomic context (GRCh38, chr17:75,842,428, plus strand): 5'-CTGGGGCAGACCCTGCTACCCAGGAAAGACCTGGATAGAGTGGGGGCTGGAGCACGGCCA[C>T]GTACAGGATGAAGGTCTCGTCCCAGACGGGGTTGAGTGTCTGGGTGATGACCTGCGTGCG-3'

ClinVar aggregate classification (germline): Likely pathogenic. Review status: criteria provided, multiple submitters, no conflicts (2 of 4 stars). 2 submissions from 2 submitters: Likely pathogenic (2). Last evaluated 2025-08-29.

Conditions:
Familial hemophagocytic lymphohistiocytosis 3 (FHL3). Also called: UNC13D-Related Familial Hemophagocytic Lymphohistiocytosis (UNC13D-fHLH). Identifiers: Orphanet 540, MedGen C1837174, MONDO:0012146, OMIM 608898.

Allele frequency attached by ClinVar (database versions not stated): gnomAD exomes below 0.00001 and 0.00001; ExAC 0.00001; gnomAD 0.00001; TOPMed 0.00001.
gnomAD v4.1: 10 of 1,609,544 alleles (0.00062%); highest among the groups gnomAD compares: African/African-American, 0.0013%; no homozygotes.

Submissions (2):

Labcorp Genetics (formerly Invitae), Labcorp
Classification: Likely pathogenic for Familial hemophagocytic lymphohistiocytosis 3. Last evaluated: 2025-08-29. Review status: criteria provided, single submitter. Criteria: Invitae Variant Classification Sherloc (09022015). Collection method: clinical testing. Allele origin: germline.
Comment: This sequence change falls in intron 6 of the UNC13D gene. It does not directly change the encoded amino acid sequence of the UNC13D protein. It affects a nucleotide within the consensus splice site. This variant is present in population databases (rs765034513, gnomAD 0.003%). This variant has been observed in individual(s) with clinical features of hemophagocytic lymphohistiocytosis and hemophagocytic lymphohistiocytosis (PMID: 16278825; internal data). In at least one individual the data is consistent with being in trans (on the opposite chromosome) from a pathogenic variant. ClinVar contains an entry for this variant (Variation ID: 647023). Variants that disrupt the consensus splice site are a relatively common cause of aberrant splicing (PMID: 17576681, 9536098). Algorithms developed to predict the effect of sequence changes on RNA splicing suggest that this variant may disrupt the consensus splice site. In summary, the currently available evidence indicates that the variant is pathogenic, but additional data are needed to prove that conclusively. Therefore, this variant has been classified as Likely Pathogenic.

Fulgent Genetics
Classification: Likely pathogenic for Familial hemophagocytic lymphohistiocytosis 3. Last evaluated: 2024-03-05. Review status: criteria provided, single submitter. Criteria: ACMG Guidelines, 2015. Collection method: clinical testing. Allele origin: germline.

Literature cited by the submitters: PubMed 16278825 (cited by Labcorp Genetics (formerly Invitae), Labcorp); PubMed 17576681 (cited by Labcorp Genetics (formerly Invitae), Labcorp); PubMed 9536098 (cited by Labcorp Genetics (formerly Invitae), Labcorp).